The following is an entry in ClinVar:

ClinVar aggregate classification (germline): Uncertain significance (1 of 4 stars; one submission).

Submission:

GeneDx
Classification: Uncertain significance. Last evaluated: 2026-01-27. Review status: criteria provided, single submitter. Criteria: GeneDx Variant Classification Process June 2021. Collection method: clinical testing. Allele origin: germline.
Comment: Not observed at significant frequency in large population cohorts (gnomAD); In silico analysis supports that this missense variant has a deleterious effect on protein structure/function; Has not been previously published as pathogenic or benign to our knowledge

NM_198904.4(GABRG2):c.1309T>G (p.Trp437Gly)

Gene: GABRG2 (gamma-aminobutyric acid type A receptor subunit gamma2; plus strand). Cytogenetic location: 5q34.
Variant type: single nucleotide variant.
Coding change: c.1309T>G on transcript NM_198904.4 (MANE Select); coding-DNA position 1309, T replaced by G.
Protein change: p.Trp437Gly; replaces tryptophan 437 with glycine.
Molecular consequence: missense variant. On other transcripts: 3 prime UTR variant (1).
Genome position (GRCh38, 1-based): chr5:162,153,249, T>G. VCF-style: chr5-162153249-T-G. GRCh37 (hg19) VCF-style: chr5-161580255-T-G.
Other names: c.1285T>G, p.Trp429Gly (NM_000816.3); c.1300T>G, p.Trp434Gly (NM_001375339.1); c.*143T>G (NM_001375340.1); c.1306T>G, p.Trp436Gly (NM_001375341.1); c.1282T>G, p.Trp428Gly (NM_001375342.1); c.1405T>G, p.Trp469Gly (NM_001375343.1); c.1348T>G, p.Trp450Gly (NM_001375344.1); c.1219T>G, p.Trp407Gly (NM_001375345.1); and 6 more; short protein forms W289G, W297G, W334G, W407G, W408G, W415G, W428G, W429G.
Identifiers: ClinVar variation 4975720 (VCV004975720.1).